The following is an entry in ClinVar:

ClinVar aggregate classification (germline): Likely benign. Review status: criteria provided, multiple submitters, no conflicts (2 of 4 stars). 2 submissions from 2 submitters: Likely benign (2). Last evaluated 2026-05-01.

Conditions:
Noonan syndrome 9 (NS9). Identifiers: Orphanet 648, MedGen C4225282, MONDO:0014691, OMIM 616559.

Allele frequency attached by ClinVar (database versions not stated): gnomAD exomes 0.00001; TOPMed 0.00002.
gnomAD v4.1: 11 of 1,612,948 alleles (0.00068%); highest among the groups gnomAD compares: Admixed American, 0.005%; no homozygotes.

Submissions (2):

CeGaT Center for Human Genetics Tuebingen
Classification: Likely benign. Last evaluated: 2026-05-01. Review status: criteria provided, single submitter. Criteria: CeGaT Center For Human Genetics Tuebingen Variant Classification Criteria Version 2. Collection method: clinical testing. Allele origin: germline. Affected: yes. Observed: 1 variant allele.
Comment: SOS2: BP4, BP7

Labcorp Genetics (formerly Invitae), Labcorp
Classification: Likely benign for Noonan syndrome 9. Last evaluated: 2025-10-20. Review status: criteria provided, single submitter. Criteria: Invitae Variant Classification Sherloc (09022015). Collection method: clinical testing. Allele origin: germline.

NM_006939.4(SOS2):c.3996A>G (p.Gln1332=)

Gene: SOS2 (SOS Ras/Rho guanine nucleotide exchange factor 2; minus strand). Cytogenetic location: 14q21.3.
Variant type: single nucleotide variant.
Coding change: c.3996A>G on transcript NM_006939.4 (MANE Select); coding-DNA position 3996, A replaced by G.
Protein change: p.Gln1332=; no amino-acid change (glutamine 1332 retained).
Molecular consequence: synonymous variant.
Genome position (GRCh38, 1-based): chr14:50,118,347, T>C on the plus strand (A>G on the coding strand, the complement: SOS2 is on the minus strand). VCF-style: chr14-50118347-T-C. GRCh37 (hg19) VCF-style: chr14-50585065-T-C.
Other names: c.3897A>G, p.Gln1299= (NM_001411020.1).
Identifiers: ClinVar variation 2057717 (VCV002057717.6), dbSNP rs938858514, ClinGen allele CA260703751.